The following is an entry in ClinVar:

NM_001374736.1(DST):c.5496G>A (p.Leu1832=)

Gene: DST (dystonin; minus strand). Cytogenetic location: 6p12.1.
Variant type: single nucleotide variant.
Coding change: c.5496G>A on transcript NM_001374736.1 (MANE Select); coding-DNA position 5496, G replaced by A.
Protein change: p.Leu1832=; no amino-acid change (leucine 1832 retained).
Molecular consequence: synonymous variant. On other transcripts: intron variant (6).
Genome position (GRCh38, 1-based): chr6:56,609,132, C>T on the plus strand (G>A on the coding strand, the complement: DST is on the minus strand). VCF-style: chr6-56609132-C-T. GRCh37 (hg19) VCF-style: chr6-56473930-C-T.
Other names: c.5496G>A, p.Leu1832= (NM_001374722.1); c.4863G>A, p.Leu1621= (NM_001374729.1); c.5523G>A, p.Leu1841= (NM_001374734.1); c.5184+1295G>A (NM_001144769.5); c.4770+1295G>A (NM_001144770.2); c.4650+1295G>A (NM_001374730.1, NM_001386100.1, NM_183380.4); c.3672+1295G>A (NM_015548.5).
Identifiers: ClinVar variation 3905183 (VCV003905183.10).

ClinVar aggregate classification (germline): Likely benign (1 of 4 stars; one submission).

gnomAD v4.1: 157 of 1,613,820 alleles (0.0097%); highest among the groups gnomAD compares: Middle Eastern, 0.017%; no homozygotes.

Submission:

CeGaT Center for Human Genetics Tuebingen
Classification: Likely benign. Last evaluated: 2025-06-01. Review status: criteria provided, single submitter. Criteria: CeGaT Center For Human Genetics Tuebingen Variant Classification Criteria Version 2. Collection method: clinical testing. Allele origin: germline. Affected: yes. Observed: 1 variant allele.
Comment: DST: BP4, BP7